The following is an entry in ClinVar:

NM_001606.5(ABCA2):c.2214G>A (p.Val738=)

Gene: ABCA2 (ATP binding cassette subfamily A member 2; minus strand). Cytogenetic location: 9q34.3.
Variant type: single nucleotide variant.
Coding change: c.2214G>A on transcript NM_001606.5 (MANE Select); coding-DNA position 2214, G replaced by A.
Protein change: p.Val738=; no amino-acid change (valine 738 retained).
Molecular consequence: synonymous variant.
Genome position (GRCh38, 1-based): chr9:137,017,690, C>T on the plus strand (G>A on the coding strand, the complement: ABCA2 is on the minus strand). VCF-style: chr9-137017690-C-T. GRCh37 (hg19) VCF-style: chr9-139912142-C-T.
Other names: c.2304G>A, p.Val768= (NM_212533.3); c.2211G>A, p.Val737= (NM_001411042.1).
Identifiers: ClinVar variation 2659783 (VCV002659783.24), dbSNP rs758224635, ClinGen allele CA5355148.

ClinVar aggregate classification (germline): Likely benign (1 of 4 stars; one submission).

Allele frequency attached by ClinVar (database versions not stated): gnomAD exomes below 0.00001; ExAC 0.00001.
gnomAD v4.1: 1 of 1,607,986 alleles (0.000062%); highest among the groups gnomAD compares: South Asian, 0.0011%; no homozygotes.

Submission:

CeGaT Center for Human Genetics Tuebingen
Classification: Likely benign. Last evaluated: 2022-09-01. Review status: criteria provided, single submitter. Criteria: CeGaT Center For Human Genetics Tuebingen Variant Classification Criteria Version 2. Collection method: clinical testing. Allele origin: germline. Affected: yes. Observed: 1 variant allele.
Comment: ABCA2: BP4, BP7